The following is an entry in ClinVar:

NM_004385.5(VCAN):c.5414A>G (p.Gln1805Arg)

Genes: VCAN (versican; plus strand), VCAN-AS1 (VCAN antisense RNA 1; minus strand). Cytogenetic location: 5q14.3.
Variant type: single nucleotide variant.
Coding change: c.5414A>G on transcript NM_004385.5 (MANE Select); coding-DNA position 5414, A replaced by G.
Protein change: p.Gln1805Arg; replaces glutamine 1805 with arginine.
Molecular consequence: missense variant. On other transcripts: intron variant (2).
Genome position (GRCh38, 1-based): chr5:83,538,417, A>G. VCF-style: chr5-83538417-A-G. GRCh37 (hg19) VCF-style: chr5-82834236-A-G.
Other names: c.2453A>G, p.Gln818Arg (NM_001164097.2); c.4004-7120A>G (NM_001164098.2); c.1043-7120A>G (NM_001126336.3); c.5414A>G (NM_004385.4); short protein forms Q1805R, Q818R.
Identifiers: ClinVar variation 1500787 (VCV001500787.10), dbSNP rs756087731, ClinGen allele CA3333324.

ClinVar aggregate classification (germline): Conflicting classifications of pathogenicity. Review status: criteria provided, conflicting classifications (1 of 4 stars). 3 submissions from 3 submitters: Uncertain significance (2); Likely benign (1). Last evaluated 2025-11-18.

Conditions:
Inborn genetic diseases. Identifiers: MedGen C0950123, MeSH D030342.

Allele frequency attached by ClinVar (database versions not stated): gnomAD 0.00001; gnomAD exomes 0.00001 and 0.00004; ExAC 0.00003; TOPMed 0.00005.
gnomAD v4.1: 17 of 1,613,934 alleles (0.0011%); highest among the groups gnomAD compares: Admixed American, 0.02%; no homozygotes.

Submissions (3):

Labcorp Genetics (formerly Invitae), Labcorp
Classification: Uncertain significance. Last evaluated: 2025-11-18. Review status: criteria provided, single submitter. Criteria: Invitae Variant Classification Sherloc (09022015). Collection method: clinical testing. Allele origin: germline.
Comment: This sequence change replaces glutamine, which is neutral and polar, with arginine, which is basic and polar, at codon 1805 of the VCAN protein (p.Gln1805Arg). This variant is present in population databases (rs756087731, gnomAD 0.02%). This variant has not been reported in the literature in individuals affected with VCAN-related conditions. ClinVar contains an entry for this variant (Variation ID: 1500787). An algorithm developed to predict the effect of missense changes on protein structure and function outputs the following: PolyPhen-2: "Benign". The arginine amino acid residue is found in multiple mammalian species, which suggests that this missense change does not adversely affect protein function. In summary, the available evidence is currently insufficient to determine the role of this variant in disease. Therefore, it has been classified as a Variant of Uncertain Significance.

Ambry Genetics
Classification: Uncertain significance for Inborn genetic diseases. Last evaluated: 2022-12-02. Review status: criteria provided, single submitter. Criteria: Ambry Variant Classification Scheme 2023. Collection method: clinical testing. Allele origin: germline.

Blueprint Genetics
Classification: Likely benign. Last evaluated: 2021-03-12. Review status: criteria provided, single submitter. Criteria: ACMG Guidelines, 2015. Collection method: clinical testing. Allele origin: germline.